The following is an entry in ClinVar:

ClinVar aggregate classification (germline): Pathogenic (1 of 4 stars; one submission).

Submission:

GeneDx
Classification: Pathogenic. Last evaluated: 2026-06-04. Review status: criteria provided, single submitter. Criteria: GeneDx Variant Classification Process June 2021. Collection method: clinical testing. Allele origin: germline.
Comment: Missense variants in this gene are a common cause of disease and they are underrepresented in the general population; In silico analysis supports that this missense variant has a deleterious effect on protein structure/function; Not observed at significant frequency in large population cohorts (gnomAD); Has not been previously published as pathogenic or benign to our knowledge

NM_001101.5(ACTB):c.214G>A (p.Glu72Lys)

Gene: ACTB (actin beta; minus strand). Cytogenetic location: 7p22.1.
Variant type: single nucleotide variant.
Coding change: c.214G>A on transcript NM_001101.5 (MANE Select); coding-DNA position 214, G replaced by A.
Protein change: p.Glu72Lys; replaces glutamic acid 72 with lysine.
Molecular consequence: missense variant.
Genome position (GRCh38, 1-based): chr7:5,529,310, C>T on the plus strand (G>A on the coding strand, the complement: ACTB is on the minus strand). VCF-style: chr7-5529310-C-T. GRCh37 (hg19) VCF-style: chr7-5568941-C-T.
Other names: short protein forms E72K.
Identifiers: ClinVar variation 3898858 (VCV003898858.2).